The following is an entry in ClinVar:

ClinVar aggregate classification (germline): Uncertain significance (1 of 4 stars; one submission).

Conditions:
Multiple endocrine neoplasia, type 1 (MEN1). Also called: MEN I; WERMER SYNDROME; Endocrine adenomatosis multiple; MEN 1; MEA I. Identifiers: Orphanet 652, MedGen C0025267, MeSH D018761, MONDO:0007540, OMIM 131100.

Submission:

Labcorp Genetics (formerly Invitae), Labcorp
Classification: Uncertain significance for Multiple endocrine neoplasia, type 1. Last evaluated: 2024-07-11. Review status: criteria provided, single submitter. Criteria: Invitae Variant Classification Sherloc (09022015). Collection method: clinical testing. Allele origin: germline.
Comment: This sequence change replaces proline, which is neutral and non-polar, with leucine, which is neutral and non-polar, at codon 296 of the MEN1 protein (p.Pro296Leu). This variant is not present in population databases (gnomAD no frequency). This variant has not been reported in the literature in individuals affected with MEN1-related conditions. Advanced modeling of protein sequence and biophysical properties (such as structural, functional, and spatial information, amino acid conservation, physicochemical variation, residue mobility, and thermodynamic stability) performed at Invitae indicates that this missense variant is expected to disrupt MEN1 protein function with a positive predictive value of 95%. In summary, the available evidence is currently insufficient to determine the role of this variant in disease. Therefore, it has been classified as a Variant of Uncertain Significance.

NM_001370259.2(MEN1):c.887C>T (p.Pro296Leu)

Gene: MEN1 (menin 1; minus strand). Cytogenetic location: 11q13.1.
Variant type: single nucleotide variant.
Coding change: c.887C>T on transcript NM_001370259.2 (MANE Select); coding-DNA position 887, C replaced by T.
Protein change: p.Pro296Leu; replaces proline 296 with leucine.
Molecular consequence: missense variant. On other transcripts: non-coding transcript variant (4).
Genome position (GRCh38, 1-based): chr11:64,807,036, G>A on the plus strand (C>T on the coding strand, the complement: MEN1 is on the minus strand). VCF-style: chr11-64807036-G-A. GRCh37 (hg19) VCF-style: chr11-64574508-G-A.
Other names: c.902C>T, p.Pro301Leu (NM_000244.4, NM_130800.3, NM_130801.3 and 5 more transcripts); c.887C>T, p.Pro296Leu (NM_001370251.2, NM_001370260.2, NM_001370261.2 and 7 more transcripts); c.782C>T, p.Pro261Leu (NM_001370262.2, NM_001407151.1, NM_001370263.2 and 2 more transcripts); short protein forms P261L, P296L, P301L.
Identifiers: ClinVar variation 3634197 (VCV003634197.2).